The following is an entry in ClinVar:

ClinVar aggregate classification (germline): Uncertain significance. Review status: criteria provided, multiple submitters, no conflicts (2 of 4 stars). 2 submissions from 2 submitters: Uncertain significance (2). Last evaluated 2023-04-27.

Conditions:
Tay-Sachs disease (TSD). Also called: GM2 gangliosidosis, type 1; Hexosaminidase alpha-subunit deficiency (variant B); Sphingolipidosis, Tay-Sachs; Hexosaminidase A Deficiency; HEXA DEFICIENCY; HEXA Disorders. Identifiers: Orphanet 845, MedGen C0039373, MONDO:0010100, OMIM 272800.

Allele frequency attached by ClinVar (database versions not stated): ExAC 0.00001; gnomAD exomes 0.00001; TOPMed 0.00001; gnomAD 0.00003.
gnomAD v4.1: 21 of 1,613,614 alleles (0.0013%); highest among the groups gnomAD compares: Non-Finnish European, 0.0017%; no homozygotes.

Submissions (2):

Quest Diagnostics Nichols Institute San Juan Capistrano
Classification: Uncertain significance. Last evaluated: 2023-04-27. Review status: criteria provided, single submitter. Criteria: Quest Diagnostics criteria. Collection method: clinical testing. Allele origin: unknown.
Comment: To the best of our knowledge, this variant has not been reported in the published literature. The frequency of this variant in the general population, 0.000004 (1/250964 chromosomes (Genome Aggregation Database)), is uninformative in the assessment of its pathogenicity. Analysis of this variant using bioinformatics tools for the prediction of the effect of amino acid changes on protein structure and function yielded predictions that this variant is benign. Based on the available information, we are unable to determine the clinical significance of this variant.

Labcorp Genetics (formerly Invitae), Labcorp
Classification: Uncertain significance for Tay-Sachs disease. Last evaluated: 2021-08-31. Review status: criteria provided, single submitter. Criteria: Invitae Variant Classification Sherloc (09022015). Collection method: clinical testing. Allele origin: germline.
Comment: This sequence change replaces glutamic acid with lysine at codon 447 of the HEXA protein (p.Glu447Lys). The glutamic acid residue is moderately conserved and there is a small physicochemical difference between glutamic acid and lysine. This variant is present in population databases (rs758066266, ExAC 0.002%). This variant has not been reported in the literature in individuals affected with HEXA-related conditions. Algorithms developed to predict the effect of missense changes on protein structure and function output the following: SIFT: "Tolerated"; PolyPhen-2: "Benign"; Align-GVGD: "Class C0". The lysine amino acid residue is found in multiple mammalian species, which suggests that this missense change does not adversely affect protein function. In summary, the available evidence is currently insufficient to determine the role of this variant in disease. Therefore, it has been classified as a Variant of Uncertain Significance.

NM_000520.6(HEXA):c.1339G>A (p.Glu447Lys)

Gene: HEXA (hexosaminidase subunit alpha; minus strand). Cytogenetic location: 15q23.
Variant type: single nucleotide variant.
Coding change: c.1339G>A on transcript NM_000520.6 (MANE Select); coding-DNA position 1339, G replaced by A.
Protein change: p.Glu447Lys; replaces glutamic acid 447 with lysine.
Molecular consequence: missense variant. On other transcripts: non-coding transcript variant (1).
Genome position (GRCh38, 1-based): chr15:72,346,317, C>T on the plus strand (G>A on the coding strand, the complement: HEXA is on the minus strand). VCF-style: chr15-72346317-C-T. GRCh37 (hg19) VCF-style: chr15-72638658-C-T.
Other names: c.1372G>A, p.Glu458Lys (NM_001318825.2); c.1339G>A (NM_000520.5); short protein forms E447K, E458K.
Identifiers: ClinVar variation 2150882 (VCV002150882.2), dbSNP rs758066266, ClinGen allele CA7644713.